The following is an entry in ClinVar:

ClinVar aggregate classification (germline): Likely benign (0 of 4 stars; one submission).

Conditions:
DRD4-related disorder. Also called: DRD4-related condition.

Allele frequency attached by ClinVar (database versions not stated): gnomAD exomes 0.00006; gnomAD 0.00022; ExAC 0.00026; TOPMed 0.00028; 1000 Genomes Project 0.00040; 1000 Genomes Project 30x 0.00047.
gnomAD v4.1: 217 of 1,585,778 alleles (0.014%); highest among the groups gnomAD compares: East Asian, 0.12%; 4 homozygotes.

Submission:

PreventionGenetics, part of Exact Sciences
Classification: Likely benign for DRD4-related condition. Last evaluated: 2019-07-11. Review status: no assertion criteria provided. Collection method: clinical testing. Allele origin: germline.
Comment: This variant is classified as likely benign based on ACMG/AMP sequence variant interpretation guidelines (Richards et al. 2015 PMID: 25741868, with internal and published modifications).

NM_000797.4(DRD4):c.603C>T (p.Phe201=)

Gene: DRD4 (dopamine receptor D4; plus strand). Cytogenetic location: 11p15.5.
Variant type: single nucleotide variant.
Coding change: c.603C>T on transcript NM_000797.4 (MANE Select); coding-DNA position 603, C replaced by T.
Protein change: p.Phe201=; no amino-acid change (phenylalanine 201 retained).
Molecular consequence: synonymous variant.
Genome position (GRCh38, 1-based): chr11:639,852, C>T. VCF-style: chr11-639852-C-T. GRCh37 (hg19) VCF-style: chr11-639852-C-T.
Identifiers: ClinVar variation 3049977 (VCV003049977.2), dbSNP rs199869206, ClinGen allele CA5785765.